The following is an entry in ClinVar:

NM_006206.6(PDGFRA):c.720T>C (p.Asn240=)

Gene: PDGFRA (platelet derived growth factor receptor alpha; plus strand). Cytogenetic location: 4q12.
Variant type: single nucleotide variant.
Coding change: c.720T>C on transcript NM_006206.6 (MANE Select); coding-DNA position 720, T replaced by C.
Protein change: p.Asn240=; no amino-acid change (asparagine 240 retained).
Molecular consequence: synonymous variant.
Genome position (GRCh38, 1-based): chr4:54,265,010, T>C. VCF-style: chr4-54265010-T-C. GRCh37 (hg19) VCF-style: chr4-55131177-T-C.
Other names: c.720T>C (NM_006206.5); c.720T>C, p.Asn240= (NM_001347827.2, NM_001347829.2); c.795T>C, p.Asn265= (NM_001347828.2); c.759T>C, p.Asn253= (NM_001347830.2).
Identifiers: ClinVar variation 701042 (VCV000701042.22), dbSNP rs768535525, ClinGen allele CA2922361.

ClinVar aggregate classification (germline): Benign/Likely benign. Review status: criteria provided, multiple submitters, no conflicts (2 of 4 stars). 5 submissions from 5 submitters: Benign (1); Likely benign (3). 1 of the submissions does not count toward it. Last evaluated 2026-06-16.

Conditions:
Polyps, multiple and recurrent inflammatory fibroid, gastrointestinal. Identifiers: MedGen C5193005, MONDO:0008285, OMIM 175510.
PDGFRA-related disorder. Also called: PDGFRA-related condition.
Hereditary cancer-predisposing syndrome. Also called: Neoplastic Syndromes, Hereditary; Tumor predisposition; Hereditary neoplastic syndrome; Hereditary Cancer Syndrome. Identifiers: Orphanet 140162, MedGen C0027672, MeSH D009386, MONDO:0015356.
Gastrointestinal stromal tumor. Also called: Gastrointestinal stromal tumor, somatic; Gastrointestinal stroma tumor. Identifiers: Orphanet 44890, MedGen C0238198, MeSH D046152, MONDO:0011719, OMIM 606764, HP:0100723.

Allele frequency attached by ClinVar (database versions not stated): gnomAD exomes below 0.00001; ExAC 0.00001.
gnomAD v4.1: 1 of 1,613,746 alleles (0.000062%); highest among the groups gnomAD compares: Non-Finnish European, 0.000085%; no homozygotes.

Submissions (5):

Myriad Genetics, Inc.
Classification: Benign for Polyps, multiple and recurrent inflammatory fibroid, gastrointestinal. Last evaluated: 2026-06-16. Review status: criteria provided, single submitter. Criteria: Myriad Autosomal Dominant, Autosomal Recessive and X-Linked Classification Criteria (2023). Collection method: clinical testing. Allele origin: unknown.
Comment: This variant is considered benign. This variant is a silent/synonymous amino acid change and it is not expected to impact splicing.

Labcorp Genetics (formerly Invitae), Labcorp
Classification: Likely benign for Gastrointestinal stromal tumor. Last evaluated: 2025-07-27. Review status: criteria provided, single submitter. Criteria: Invitae Variant Classification Sherloc (09022015). Collection method: clinical testing. Allele origin: germline.

CeGaT Center for Human Genetics Tuebingen
Classification: Likely benign. Last evaluated: 2025-07-01. Review status: criteria provided, single submitter. Criteria: CeGaT Center For Human Genetics Tuebingen Variant Classification Criteria Version 2. Collection method: clinical testing. Allele origin: germline. Affected: yes. Observed: 1 variant allele.
Comment: PDGFRA: BP4, BP7

Ambry Genetics
Classification: Likely benign for Hereditary cancer-predisposing syndrome. Last evaluated: 2022-05-26. Review status: criteria provided, single submitter. Criteria: Ambry Variant Classification Scheme 2023. Collection method: clinical testing. Allele origin: germline.

PreventionGenetics, part of Exact Sciences
Classification: Likely benign for PDGFRA-related condition. Last evaluated: 2022-05-31. Review status: no assertion criteria provided. Collection method: clinical testing. Allele origin: germline. Not counted in ClinVar's aggregate classification.
Comment: This variant is classified as likely benign based on ACMG/AMP sequence variant interpretation guidelines (Richards et al. 2015 PMID: 25741868, with internal and published modifications).